The following is an entry in ClinVar:

NM_031844.3(HNRNPU):c.457G>C (p.Gly153Arg)

Gene: HNRNPU (heterogeneous nuclear ribonucleoprotein U; minus strand). Cytogenetic location: 1q44.
Variant type: single nucleotide variant.
Coding change: c.457G>C on transcript NM_031844.3 (MANE Select); coding-DNA position 457, G replaced by C.
Protein change: p.Gly153Arg; replaces glycine 153 with arginine.
Molecular consequence: missense variant.
Genome position (GRCh38, 1-based): chr1:244,863,851, C>G on the plus strand (G>C on the coding strand, the complement: HNRNPU is on the minus strand). VCF-style: chr1-244863851-C-G. GRCh37 (hg19) VCF-style: chr1-245027153-C-G.
Other names: c.457G>C, p.Gly153Arg (NM_004501.3); short protein forms G153R.
Identifiers: ClinVar variation 1036419 (VCV001036419.9), dbSNP rs1680925916, ClinGen allele CA345497021.

ClinVar aggregate classification (germline): Uncertain significance (1 of 4 stars; one submission).

Conditions:
Developmental and epileptic encephalopathy, 54. Also called: HNRNPU-Related Neurodevelopmental Disorder; Epileptic encephalopathy, early infantile, 54. Identifiers: MedGen C4479319, MONDO:0033363, OMIM 617391.

Submission:

Labcorp Genetics (formerly Invitae), Labcorp
Classification: Uncertain significance for Developmental and epileptic encephalopathy, 54. Last evaluated: 2020-06-03. Review status: criteria provided, single submitter. Criteria: Invitae Variant Classification Sherloc (09022015). Collection method: clinical testing. Allele origin: germline.
Comment: This variant is not present in population databases (ExAC no frequency). This sequence change replaces glycine with arginine at codon 153 of the HNRNPU protein (p.Gly153Arg). The glycine residue is weakly conserved and there is a moderate physicochemical difference between glycine and arginine. This variant has not been reported in the literature in individuals with HNRNPU-related conditions. Algorithms developed to predict the effect of missense changes on protein structure and function are either unavailable or do not agree on the potential impact of this missense change (SIFT: "Tolerated"; PolyPhen-2: "Probably Damaging"; Align-GVGD: "Class C0"). In summary, the available evidence is currently insufficient to determine the role of this variant in disease. Therefore, it has been classified as a Variant of Uncertain Significance.